The following is an entry in ClinVar:

NM_004218.4(RAB11B):c.220C>G (p.Arg74Gly)

Gene: RAB11B (RAB11B, member RAS oncogene family; plus strand). Cytogenetic location: 19p13.2.
Variant type: single nucleotide variant.
Coding change: c.220C>G on transcript NM_004218.4 (MANE Select); coding-DNA position 220, C replaced by G.
Protein change: p.Arg74Gly; replaces arginine 74 with glycine.
Molecular consequence: missense variant.
Genome position (GRCh38, 1-based): chr19:8,400,042, C>G. VCF-style: chr19-8400042-C-G. GRCh37 (hg19) VCF-style: chr19-8464926-C-G.
Other names: short protein forms R74G.
Identifiers: ClinVar variation 2770910 (VCV002770910.3), dbSNP rs1288425927, ClinGen allele CA403711326.

ClinVar aggregate classification (germline): Likely pathogenic (1 of 4 stars; one submission).

Submission:

Labcorp Genetics (formerly Invitae), Labcorp
Classification: Likely pathogenic. Last evaluated: 2024-01-23. Review status: criteria provided, single submitter. Criteria: Invitae Variant Classification Sherloc (09022015). Collection method: clinical testing. Allele origin: germline.
Comment: This sequence change replaces arginine, which is basic and polar, with glycine, which is neutral and non-polar, at codon 74 of the RAB11B protein (p.Arg74Gly). This variant is not present in population databases (gnomAD no frequency). This missense change has been observed in individual(s) with RAB11B-related conditions (Invitae). In at least one individual the variant was observed to be de novo. An algorithm developed to predict the effect of missense changes on protein structure and function (PolyPhen-2) suggests that this variant is likely to be disruptive. In summary, the currently available evidence indicates that the variant is pathogenic, but additional data are needed to prove that conclusively. Therefore, this variant has been classified as Likely Pathogenic.